The following is an entry in ClinVar:

ClinVar aggregate classification (germline): Likely benign (1 of 4 stars; one submission).

Submission:

CeGaT Center for Human Genetics Tuebingen
Classification: Likely benign. Last evaluated: 2024-03-01. Review status: criteria provided, single submitter. Criteria: CeGaT Center For Human Genetics Tuebingen Variant Classification Criteria Version 2. Collection method: clinical testing. Allele origin: germline. Affected: yes. Observed: 1 variant allele.
Comment: USH2A: PM2:Supporting, BP4, BP7

NM_206933.4(USH2A):c.14724A>G (p.Arg4908=)

Gene: USH2A (usherin; minus strand). Cytogenetic location: 1q41.
Variant type: single nucleotide variant.
Coding change: c.14724A>G on transcript NM_206933.4 (MANE Select); coding-DNA position 14724, A replaced by G.
Protein change: p.Arg4908=; no amino-acid change (arginine 4908 retained).
Molecular consequence: synonymous variant.
Genome position (GRCh38, 1-based): chr1:215,647,589, T>C on the plus strand (A>G on the coding strand, the complement: USH2A is on the minus strand). VCF-style: chr1-215647589-T-C. GRCh37 (hg19) VCF-style: chr1-215820931-T-C.
Identifiers: ClinVar variation 3067610 (VCV003067610.21), dbSNP rs2464811431, ClinGen allele CA423307862.